The following is an entry in ClinVar:

NM_000303.3(PMM2):c.584_585del (p.His195fs)

Gene: PMM2 (phosphomannomutase 2; plus strand). Cytogenetic location: 16p13.2.
Variant type: Deletion.
Coding change: c.584_585del on transcript NM_000303.3 (MANE Select); coding-DNA positions 584 to 585, 2 bases deleted (AT; older notation c.584_585delAT).
Protein change: p.His195fs; shifts the reading frame from histidine 195.
Molecular consequence: frameshift variant.
Genome position (GRCh38, 1-based): chr16:8,813,051-8,813,052, AT deleted. VCF-style (leftmost placement, unchanged base first): chr16-8813050-CAT-C. GRCh37 (hg19) VCF-style: chr16-8906907-CAT-C.
Other names: c.584_585del (NM_000303.2); short protein forms H195fs.
Identifiers: ClinVar variation 2112724 (VCV002112724.8), dbSNP rs2060686496, ClinGen allele CA2206136736.

ClinVar aggregate classification (germline): Pathogenic/Likely pathogenic. Review status: criteria provided, multiple submitters, no conflicts (2 of 4 stars). 2 submissions from 2 submitters: Pathogenic (1); Likely pathogenic (1). Last evaluated 2025-05-18.

Conditions:
PMM2-congenital disorder of glycosylation. Also called: Congenital disorder of glycosylation, type Ia; PMM2-CDG; CDG Ia; JAEKEN SYNDROME; PHOSPHOMANNOMUTASE 2 DEFICIENCY; CARBOHYDRATE-DEFICIENT GLYCOPROTEIN SYNDROME, TYPE Ia. Identifiers: Orphanet 79318, MedGen C0349653, MONDO:0008907, OMIM 212065.

Allele frequency attached by ClinVar (database versions not stated): gnomAD exomes below 0.00001.

Submissions (2):

Natera, Inc.
Classification: Likely pathogenic for Congenital disorder of glycosylation type 1a. Last evaluated: 2025-05-18. Review status: criteria provided, single submitter. Criteria: Natera Variant Classification Schema (03/2026). Collection method: clinical testing. Allele origin: germline.
Comment: The c.584_585del variant in PMM2 is a frameshift variant predicted to shift the reading frame beginning at codon 195 and leads to a stop codon 4 codons downstream. This variant is expected to result in nonsense mediated decay, truncation, or a dysfunctional protein product. This variant is rare in the general population with a frequency below the threshold expected for the associated phenotype(s). Given the available evidence, this variant is classified as Likely Pathogenic.

Labcorp Genetics (formerly Invitae), Labcorp
Classification: Pathogenic for PMM2-congenital disorder of glycosylation. Last evaluated: 2022-03-15. Review status: criteria provided, single submitter. Criteria: Invitae Variant Classification Sherloc (09022015). Collection method: clinical testing. Allele origin: germline.
Comment: For these reasons, this variant has been classified as Pathogenic. This variant disrupts a region of the PMM2 protein in which other variant(s) (p.Cys241Ser) have been determined to be pathogenic (PMID: 11156536, 11715002, 15844218, 21541725, 22012410, 25355454, 26014514). This suggests that this is a clinically significant region of the protein, and that variants that disrupt it are likely to be disease-causing. This variant has not been reported in the literature in individuals affected with PMM2-related conditions. This variant is not present in population databases (gnomAD no frequency). This sequence change creates a premature translational stop signal (p.His195Argfs*4) in the PMM2 gene. While this is not anticipated to result in nonsense mediated decay, it is expected to disrupt the last 52 amino acid(s) of the PMM2 protein.

Literature cited by the submitters: PubMed 11156536 (cited by Labcorp Genetics (formerly Invitae), Labcorp); PubMed 11715002 (cited by Labcorp Genetics (formerly Invitae), Labcorp); PubMed 15844218 (cited by Labcorp Genetics (formerly Invitae), Labcorp); PubMed 21541725 (cited by Labcorp Genetics (formerly Invitae), Labcorp); PubMed 22012410 (cited by Labcorp Genetics (formerly Invitae), Labcorp); PubMed 25355454 (cited by Labcorp Genetics (formerly Invitae), Labcorp); PubMed 26014514 (cited by Labcorp Genetics (formerly Invitae), Labcorp).